The following is an entry in ClinVar:

NM_001001557.4(GDF6):c.915GGGCGC[3] (p.Ala309_Glu310insGlyAla)

Gene: GDF6 (growth differentiation factor 6; minus strand). Cytogenetic location: 8q22.1.
Variant type: Microsatellite.
Coding change: c.915GGGCGC[3] on transcript NM_001001557.4 (MANE Select); three copies in a row of the 6-base unit GGGCGC starting at c.915; the reference has two copies in a row; one copy, 6 bases duplicated.
Protein change: p.Ala309_Glu310insGlyAla.
Genome position (GRCh38, 1-based): chr8:96,145,005-96,145,010, GCGCCC duplicated on the plus strand (GGGCGC on the coding strand, the reverse complement: GDF6 is on the minus strand); duplicating any 6 consecutive bases within chr8:96,145,005-96,145,017 gives the same sequence; the position shown is the placement nearest the transcript's 3' end. VCF-style (leftmost placement, unchanged base first): chr8-96145004-G-GGCGCCC. GRCh37 (hg19) VCF-style: chr8-97157232-G-GGCGCCC.
Identifiers: ClinVar variation 4787481 (VCV004787481.1).
Genomic context (GRCh38, chr8:96,145,004, plus strand): 5'-GGGCGAGGGCAGCCAAGGCCTGGCATCCGGGGCGCCCGACGGCGGCGGCCACGACCCCTC[G>GGCGCCC]GCGCCCGCGCCCGGGCCCGCAGCCTCGGCCGAGCCCAGCTGCTCGCGCATCTCTGCGAAC-3'

ClinVar aggregate classification (germline): Uncertain significance (1 of 4 stars; one submission).

Conditions:
Klippel-Feil syndrome 1, autosomal dominant (KFS1). Also called: CERVICAL VERTEBRAL FUSION, AUTOSOMAL DOMINANT. Identifiers: Orphanet 2345, MedGen C1861689, MONDO:0007306, OMIM 118100.
Isolated microphthalmia 4. Identifiers: Orphanet 2542, MedGen C2751307, MONDO:0013130, OMIM 613094.
Microphthalmia, isolated, with coloboma 6 (MCOPCB6). Also called: Microphthalmia with coloboma 6, digenic; Microphthalmia with coloboma 6; MICROPHTHALMIA/COLOBOMA 6. Identifiers: Orphanet 98938, MedGen C3150968, MONDO:0013376, OMIM 613703.
Leber congenital amaurosis 17 (LCA17). Identifiers: Orphanet 65, MedGen C3715164, MONDO:0014145, OMIM 615360.

Submission:

Labcorp Genetics (formerly Invitae), Labcorp
Classification: Uncertain significance for Isolated microphthalmia 4; Leber congenital amaurosis 17; Klippel-Feil syndrome 1, autosomal dominant; Microphthalmia, isolated, with coloboma 6. Last evaluated: 2025-06-15. Review status: criteria provided, single submitter. Criteria: Invitae Variant Classification Sherloc (09022015). Collection method: clinical testing. Allele origin: germline.
Comment: This variant, c.921_926dup, results in the insertion of 2 amino acid(s) of the GDF6 protein (p.Gly308_Ala309dup), but otherwise preserves the integrity of the reading frame. This variant is not present in population databases (gnomAD no frequency). This variant has not been reported in the literature in individuals affected with GDF6-related conditions. In summary, the available evidence is currently insufficient to determine the role of this variant in disease. Therefore, it has been classified as a Variant of Uncertain Significance.